The following is an entry in ClinVar:

ClinVar aggregate classification (germline): Uncertain significance (1 of 4 stars; one submission).

Conditions:
Primary ciliary dyskinesia. Also called: Ciliary dyskinesia. Identifiers: Orphanet 244, MedGen C0008780, MONDO:0016575, HP:0012265.

Allele frequency attached by ClinVar (database versions not stated): gnomAD exomes 0.00003 and 0.00012; gnomAD 0.00006; ExAC 0.00009; TOPMed 0.00010.
gnomAD v4.1: 84 of 1,612,964 alleles (0.0052%); highest among the groups gnomAD compares: East Asian, 0.085%; no homozygotes.

Submission:

Labcorp Genetics (formerly Invitae), Labcorp
Classification: Uncertain significance for Primary ciliary dyskinesia. Last evaluated: 2024-07-24. Review status: criteria provided, single submitter. Criteria: Invitae Variant Classification Sherloc (09022015). Collection method: clinical testing. Allele origin: germline.
Comment: This sequence change replaces methionine, which is neutral and non-polar, with valine, which is neutral and non-polar, at codon 2189 of the DNAH8 protein (p.Met2189Val). This variant is present in population databases (rs757665480, gnomAD 0.1%). This variant has not been reported in the literature in individuals affected with DNAH8-related conditions. ClinVar contains an entry for this variant (Variation ID: 575893). Advanced modeling of protein sequence and biophysical properties (such as structural, functional, and spatial information, amino acid conservation, physicochemical variation, residue mobility, and thermodynamic stability) performed at Invitae indicates that this missense variant is not expected to disrupt DNAH8 protein function with a negative predictive value of 80%. In summary, the available evidence is currently insufficient to determine the role of this variant in disease. Therefore, it has been classified as a Variant of Uncertain Significance.

NM_001206927.2(DNAH8):c.6565A>G (p.Met2189Val)

Gene: DNAH8 (dynein axonemal heavy chain 8; plus strand). Cytogenetic location: 6p21.2.
Variant type: single nucleotide variant.
Coding change: c.6565A>G on transcript NM_001206927.2 (MANE Select); coding-DNA position 6565, A replaced by G.
Protein change: p.Met2189Val; replaces methionine 2189 with valine.
Molecular consequence: missense variant.
Genome position (GRCh38, 1-based): chr6:38,866,657, A>G. VCF-style: chr6-38866657-A-G. GRCh37 (hg19) VCF-style: chr6-38834433-A-G.
Other names: c.5914A>G, p.Met1972Val (NM_001371.4); short protein forms M2189V, M1972V.
Identifiers: ClinVar variation 575893 (VCV000575893.19), dbSNP rs757665480, ClinGen allele CA3789695.